The following is an entry in ClinVar:

ClinVar aggregate classification (germline): Uncertain significance (1 of 4 stars; one submission).

Conditions:
Paediatric disorders.

gnomAD v4.1: 13 of 1,608,368 alleles (0.00081%); highest among the groups gnomAD compares: East Asian, 0.0045%; no homozygotes.

Submission:

North West Genomic Laboratory Hub, Manchester University NHS Foundation Trust
Classification: Uncertain significance for Paediatric disorders. Last evaluated: 2026-05-04. Review status: criteria provided, single submitter. Criteria: ACGS Best Practice Guidelines for Variant Classification in Rare Disease 2024. Collection method: clinical testing. Allele origin: germline. Affected: yes.
Comment: PP3_Supp

NM_001170629.2(CHD8):c.5423G>A (p.Arg1808Gln)

Gene: CHD8 (chromodomain helicase DNA binding protein 8; minus strand). Cytogenetic location: 14q11.2.
Variant type: single nucleotide variant.
Coding change: c.5423G>A on transcript NM_001170629.2 (MANE Select); coding-DNA position 5423, G replaced by A.
Protein change: p.Arg1808Gln; replaces arginine 1808 with glutamine.
Molecular consequence: missense variant.
Genome position (GRCh38, 1-based): chr14:21,394,453, C>T on the plus strand (G>A on the coding strand, the complement: CHD8 is on the minus strand). VCF-style: chr14-21394453-C-T. GRCh37 (hg19) VCF-style: chr14-21862612-C-T.
Other names: c.4586G>A, p.Arg1529Gln (NM_020920.4); short protein forms R1529Q, R1808Q.
Identifiers: ClinVar variation 4851474 (VCV004851474.1).